The following is an entry in ClinVar:

ClinVar aggregate classification (germline): Benign/Likely benign. Review status: criteria provided, multiple submitters, no conflicts (2 of 4 stars). 3 submissions from 3 submitters: Benign (1); Likely benign (1). 1 of the submissions does not count toward it. Last evaluated 2024-10-17.

Conditions:
TWIST1-related craniosynostosis (CRS1). Also called: CRANIOSYNOSTOSIS 1. Identifiers: Orphanet 63440, MedGen C4551902, MONDO:0007399, OMIM 123100. Inheritance: Heterogenous inheritance pattern.
ERF-related disorder. Also called: ERF-related condition; ERF-related disorders.

Allele frequency attached by ClinVar (database versions not stated): ESP Exome Variant Server 0.00015; 1000 Genomes Project 30x 0.00219; 1000 Genomes Project 0.00220.
gnomAD v4.1: 486 of 1,598,884 alleles (0.03%); highest among the groups gnomAD compares: East Asian, 0.76%; 2 homozygotes.

Submissions (3):

Labcorp Genetics (formerly Invitae), Labcorp
Classification: Benign for TWIST1-related craniosynostosis. Last evaluated: 2024-10-17. Review status: criteria provided, single submitter. Criteria: Invitae Variant Classification Sherloc (09022015). Collection method: clinical testing. Allele origin: germline.

Blueprint Genetics
Classification: Likely benign. Last evaluated: 2024-09-25. Review status: criteria provided, single submitter. Criteria: ACMG Guidelines, 2015. Collection method: clinical testing. Allele origin: germline.

PreventionGenetics, part of Exact Sciences
Classification: Benign for ERF-related condition. Last evaluated: 2019-02-22. Review status: no assertion criteria provided. Collection method: clinical testing. Allele origin: germline. Not counted in ClinVar's aggregate classification.
Comment: This variant is classified as benign based on ACMG/AMP sequence variant interpretation guidelines (Richards et al. 2015 PMID: 25741868, with internal and published modifications).

NM_006494.4(ERF):c.408G>A (p.Pro136=)

Gene: ERF (ETS2 repressor factor; minus strand). Cytogenetic location: 19q13.2.
Variant type: single nucleotide variant.
Coding change: c.408G>A on transcript NM_006494.4 (MANE Select); coding-DNA position 408, G replaced by A.
Protein change: p.Pro136=; no amino-acid change (proline 136 retained).
Molecular consequence: synonymous variant.
Genome position (GRCh38, 1-based): chr19:42,249,704, C>T on the plus strand (G>A on the coding strand, the complement: ERF is on the minus strand). VCF-style: chr19-42249704-C-T. GRCh37 (hg19) VCF-style: chr19-42753856-C-T.
Other names: c.408G>A (NM_006494.3); c.183G>A, p.Pro61= (NM_001301035.2, NM_001308402.2, NM_001312656.2).
Identifiers: ClinVar variation 1937352 (VCV001937352.8), dbSNP rs140735416, ClinGen allele CA9471405.